The following is an entry in ClinVar:

ClinVar aggregate classification (germline): Uncertain significance (1 of 4 stars; one submission).

Conditions:
Inborn genetic diseases. Identifiers: MedGen C0950123, MeSH D030342.

gnomAD v4.1: 1 of 1,611,944 alleles (0.000062%); highest among the groups gnomAD compares: South Asian, 0.0011%; no homozygotes.

Submission:

Ambry Genetics
Classification: Uncertain significance for Inborn genetic diseases. Last evaluated: 2024-11-23. Review status: criteria provided, single submitter. Criteria: Ambry Variant Classification Scheme 2023. Collection method: clinical testing. Allele origin: germline.
Comment: The p.Q988H variant (also known as c.2964G>C), located in coding exon 29 of the RTEL1 gene, results from a G to C substitution at nucleotide position 2964. The glutamine at codon 988 is replaced by histidine, an amino acid with highly similar properties. This amino acid position is conserved. In addition, this alteration is predicted to be tolerated by in silico analysis. Based on the available evidence, the clinical significance of this variant remains unclear.

NM_001283009.2(RTEL1):c.2964G>C (p.Gln988His)

Genes: RTEL1 (regulator of telomere elongation helicase 1; plus strand), RTEL1-TNFRSF6B (RTEL1-TNFRSF6B readthrough (NMD candidate); plus strand). Cytogenetic location: 20q13.33.
Variant type: single nucleotide variant.
Coding change: c.2964G>C on transcript NM_001283009.2 (MANE Select); coding-DNA position 2964, G replaced by C.
Protein change: p.Gln988His; replaces glutamine 988 with histidine.
Molecular consequence: missense variant. On other transcripts: non-coding transcript variant (1).
Genome position (GRCh38, 1-based): chr20:63,693,255, G>C. VCF-style: chr20-63693255-G-C. GRCh37 (hg19) VCF-style: chr20-62324608-G-C.
Other names: c.2295G>C, p.Gln765His (NM_001283010.1); c.2964G>C, p.Gln988His (NM_016434.4); c.3036G>C, p.Gln1012His (NM_032957.5); short protein forms Q988H, Q1012H, Q765H.
Identifiers: ClinVar variation 3435962 (VCV003435962.1).
Genomic context (GRCh38, chr20:63,693,255, plus strand): 5'-TATCCAGCTGACAGGACGAGGCTGTGGCTATCGGCCTGAGCACAGCATTCCCCGAAGGCA[G>C]CGGGCACAGCCGGTCCTGGACCCCACTGGTAAATGGGGCCCCAGGTGGGACCCTCAGACT-3'
Protein context (NP_001269938.1, residues 978-998): YRPEHSIPRR[Gln988His]RAQPVLDPTG